The following is an entry in ClinVar:

NM_024675.4(PALB2):c.161A>G (p.Glu54Gly)

Gene: PALB2 (partner and localizer of BRCA2; minus strand). Cytogenetic location: 16p12.2.
Variant type: single nucleotide variant.
Coding change: c.161A>G on transcript NM_024675.4 (MANE Select); coding-DNA position 161, A replaced by G.
Protein change: p.Glu54Gly; replaces glutamic acid 54 with glycine.
Molecular consequence: missense variant.
Genome position (GRCh38, 1-based): chr16:23,637,900, T>C on the plus strand (A>G on the coding strand, the complement: PALB2 is on the minus strand). VCF-style: chr16-23637900-T-C. GRCh37 (hg19) VCF-style: chr16-23649221-T-C.
Other names: p.E54G:GAA>GGA; short protein forms E54G.
Identifiers: ClinVar variation 182779 (VCV000182779.22), dbSNP rs730881898, ClinGen allele CA299763.
Genomic context (GRCh38, chr16:23,637,900, plus strand): 5'-CTAGATTTACCTGAGTGTTTTAGCTGCGGTGAGAGATCCTGCTGAGACAAACAATCTTGT[T>C]CTTCTACTGTTTTCTTAATAGAATGCTTAATCTTTTCAGCTCTTTGGGCACGCTAGAGGA-3'
Protein context (NP_078951.2, residues 44-64): IKHSIKKTVE[Glu54Gly]QDCLSQQDLS

ClinVar aggregate classification (germline): Conflicting classifications of pathogenicity. Review status: criteria provided, conflicting classifications (1 of 4 stars). 5 submissions from 5 submitters: Uncertain significance (3); Likely benign (2). Last evaluated 2025-11-05.

Conditions:
Familial cancer of breast. Also called: BREAST CANCER, FAMILIAL; Hereditary breast cancer; hereditary breast carcinoma. Identifiers: Orphanet 227535, MedGen C0346153, MONDO:0016419, OMIM 114480. Disease mechanism: loss of function.
Hereditary cancer-predisposing syndrome. Also called: Tumor predisposition; Hereditary Cancer Syndrome; Hereditary neoplastic syndrome; Neoplastic Syndromes, Hereditary. Identifiers: Orphanet 140162, MedGen C0027672, MeSH D009386, MONDO:0015356.

Allele frequency attached by ClinVar (database versions not stated): gnomAD exomes below 0.00001 and 0.00001; gnomAD 0.00001.
gnomAD v4.1: 8 of 1,614,014 alleles (0.0005%); highest among the groups gnomAD compares: African/African-American, 0.0013%; no homozygotes.

Submissions (5):

Labcorp Genetics (formerly Invitae), Labcorp
Classification: Uncertain significance for Familial cancer of breast. Last evaluated: 2025-11-05. Review status: criteria provided, single submitter. Criteria: Invitae Variant Classification Sherloc (09022015). Collection method: clinical testing. Allele origin: germline.
Comment: This sequence change replaces glutamic acid, which is acidic and polar, with glycine, which is neutral and non-polar, at codon 54 of the PALB2 protein (p.Glu54Gly). This variant is present in population databases (rs730881898, gnomAD 0.02%). This variant has not been reported in the literature in individuals affected with PALB2-related conditions. ClinVar contains an entry for this variant (Variation ID: 182779). An algorithm developed to predict the effect of missense changes on protein structure and function outputs the following: PolyPhen-2: "Benign". The glycine amino acid residue is found in multiple mammalian species, which suggests that this missense change does not adversely affect protein function. In summary, the available evidence is currently insufficient to determine the role of this variant in disease. Therefore, it has been classified as a Variant of Uncertain Significance.

Ambry Genetics
Classification: Likely benign for Hereditary cancer-predisposing syndrome. Last evaluated: 2024-03-28. Review status: criteria provided, single submitter. Criteria: Ambry Variant Classification Scheme 2023. Collection method: clinical testing. Allele origin: germline.

GeneDx
Classification: Uncertain significance. Last evaluated: 2020-02-07. Review status: criteria provided, single submitter. Criteria: GeneDx Variant Classification Process June 2021. Collection method: clinical testing. Allele origin: germline. Affected: yes.
Comment: Has not been previously published as pathogenic or benign to our knowledge; In silico analysis, which includes protein predictors and evolutionary conservation, supports a deleterious effect

Women's Health and Genetics/Laboratory Corporation of America, LabCorp
Classification: Uncertain significance. Last evaluated: 2018-10-19. Review status: criteria provided, single submitter. Criteria: LabCorp Variant Classification Summary - May 2015. Collection method: clinical testing. Allele origin: germline.
Comment: Variant summary: PALB2 c.161A>G (p.Glu54Gly) results in a non-conservative amino acid change in the encoded protein sequence. Four of five in-silico tools predict a benign effect of the variant on protein function. The variant allele was found at a frequency of 1.1e-05 in 277238 control chromosomes (gnomAD). The available data on variant occurrences in the general population are insufficient to allow any conclusion about variant significance. To our knowledge, no occurrence of c.161A>G in individuals affected with Hereditary Breast and Ovarian Cancer and no experimental evidence demonstrating its impact on protein function have been reported. Three ClinVar submissions from clinical diagnostic laboratories (evaluation after 2014) cite the variant as uncertain significance. Based on the evidence outlined above, the variant was classified as uncertain significance.

Color Diagnostics, LLC DBA Color Health
Classification: Likely benign for Hereditary cancer-predisposing syndrome. Last evaluated: 2015-12-02. Review status: criteria provided, single submitter. Criteria: ACMG Guidelines, 2015. Collection method: clinical testing. Allele origin: germline.